The following is an entry in ClinVar:

ClinVar aggregate classification (germline): Uncertain significance (1 of 4 stars; one submission).

Conditions:
Severe combined immunodeficiency due to LCK deficiency. Also called: Immunodeficiency 22. Identifiers: Orphanet 280142, MedGen C4014233, MONDO:0014334, OMIM 615758.

gnomAD v4.1: 6 of 1,614,042 alleles (0.00037%); highest among the groups gnomAD compares: Admixed American, 0.0017%; no homozygotes.

Submission:

Labcorp Genetics (formerly Invitae), Labcorp
Classification: Uncertain significance for Severe combined immunodeficiency due to LCK deficiency. Last evaluated: 2024-06-29. Review status: criteria provided, single submitter. Criteria: Invitae Variant Classification Sherloc (09022015). Collection method: clinical testing. Allele origin: germline.
Comment: This sequence change replaces arginine, which is basic and polar, with tryptophan, which is neutral and slightly polar, at codon 484 of the LCK protein (p.Arg484Trp). This variant is not present in population databases (gnomAD no frequency). This variant has not been reported in the literature in individuals affected with LCK-related conditions. An algorithm developed to predict the effect of missense changes on protein structure and function (PolyPhen-2) suggests that this variant is likely to be disruptive. In summary, the available evidence is currently insufficient to determine the role of this variant in disease. Therefore, it has been classified as a Variant of Uncertain Significance.

NM_005356.5(LCK):c.1450C>T (p.Arg484Trp)

Gene: LCK (LCK proto-oncogene, Src family tyrosine kinase; plus strand). Cytogenetic location: 1p35.2.
Variant type: single nucleotide variant.
Coding change: c.1450C>T on transcript NM_005356.5 (MANE Select); coding-DNA position 1450, C replaced by T.
Protein change: p.Arg484Trp; replaces arginine 484 with tryptophan.
Molecular consequence: missense variant.
Genome position (GRCh38, 1-based): chr1:32,285,636, C>T. VCF-style: chr1-32285636-C-T. GRCh37 (hg19) VCF-style: chr1-32751237-C-T.
Other names: c.1450C>T, p.Arg484Trp (NM_001042771.3); c.1297C>T, p.Arg433Trp (NM_001330468.2); short protein forms R433W, R484W.
Identifiers: ClinVar variation 3616850 (VCV003616850.2).